The following is an entry in ClinVar:

NM_020461.4(TUBGCP6):c.4601C>T (p.Ser1534Phe)

Gene: TUBGCP6 (tubulin gamma complex component 6; minus strand). Cytogenetic location: 22q13.33.
Variant type: single nucleotide variant.
Coding change: c.4601C>T on transcript NM_020461.4 (MANE Select); coding-DNA position 4601, C replaced by T.
Protein change: p.Ser1534Phe; replaces serine 1534 with phenylalanine.
Molecular consequence: missense variant.
Genome position (GRCh38, 1-based): chr22:50,219,093, G>A on the plus strand (C>T on the coding strand, the complement: TUBGCP6 is on the minus strand). VCF-style: chr22-50219093-G-A. GRCh37 (hg19) VCF-style: chr22-50657522-G-A.
Other names: c.4601C>T (NM_020461.3); short protein forms S1534F.
Identifiers: ClinVar variation 1431848 (VCV001431848.7), dbSNP rs373901617, ClinGen allele CA325509543.

ClinVar aggregate classification (germline): Uncertain significance. Review status: criteria provided, multiple submitters, no conflicts (2 of 4 stars). 2 submissions from 2 submitters: Uncertain significance (2). Last evaluated 2023-11-14.

Conditions:
Inborn genetic diseases. Identifiers: MedGen C0950123, MeSH D030342.

gnomAD v4.1: 3 of 1,612,758 alleles (0.00019%); highest among the groups gnomAD compares: East Asian, 0.0022%; no homozygotes.

Submissions (2):

Ambry Genetics
Classification: Uncertain significance for Inborn genetic diseases. Last evaluated: 2023-11-14. Review status: criteria provided, single submitter. Criteria: Ambry Variant Classification Scheme 2023. Collection method: clinical testing. Allele origin: germline.

Labcorp Genetics (formerly Invitae), Labcorp
Classification: Uncertain significance. Last evaluated: 2022-07-13. Review status: criteria provided, single submitter. Criteria: Invitae Variant Classification Sherloc (09022015). Collection method: clinical testing. Allele origin: germline.
Comment: In summary, the available evidence is currently insufficient to determine the role of this variant in disease. Therefore, it has been classified as a Variant of Uncertain Significance. Algorithms developed to predict the effect of missense changes on protein structure and function are either unavailable or do not agree on the potential impact of this missense change (SIFT: "Deleterious"; PolyPhen-2: "Probably Damaging"; Align-GVGD: "Class C0"). ClinVar contains an entry for this variant (Variation ID: 1431848). This variant has not been reported in the literature in individuals affected with TUBGCP6-related conditions. The frequency data for this variant in the population databases is considered unreliable, as metrics indicate poor data quality at this position in the gnomAD database. This sequence change replaces serine, which is neutral and polar, with phenylalanine, which is neutral and non-polar, at codon 1534 of the TUBGCP6 protein (p.Ser1534Phe).